The following is an entry in ClinVar:

NM_005356.5(LCK):c.1292C>T (p.Thr431Met)

Gene: LCK (LCK proto-oncogene, Src family tyrosine kinase; plus strand). Cytogenetic location: 1p35.2.
Variant type: single nucleotide variant.
Coding change: c.1292C>T on transcript NM_005356.5 (MANE Select); coding-DNA position 1292, C replaced by T.
Protein change: p.Thr431Met; replaces threonine 431 with methionine.
Molecular consequence: missense variant.
Genome position (GRCh38, 1-based): chr1:32,280,175, C>T. VCF-style: chr1-32280175-C-T. GRCh37 (hg19) VCF-style: chr1-32745776-C-T.
Other names: c.1292C>T, p.Thr431Met (NM_001042771.3); c.1139C>T, p.Thr380Met (NM_001330468.2); short protein forms T380M, T431M.
Identifiers: ClinVar variation 1018077 (VCV001018077.7), dbSNP rs1801124, ClinGen allele CA741329.

ClinVar aggregate classification (germline): Uncertain significance. Review status: criteria provided, multiple submitters, no conflicts (2 of 4 stars). 3 submissions from 3 submitters: Uncertain significance (3). Last evaluated 2025-12-01.

Conditions:
Severe combined immunodeficiency due to LCK deficiency. Also called: Immunodeficiency 22. Identifiers: Orphanet 280142, MedGen C4014233, MONDO:0014334, OMIM 615758.

Allele frequency attached by ClinVar (database versions not stated): TOPMed 0.00007; gnomAD 0.00010 and 0.00011; gnomAD exomes 0.00010 and 0.00019; 1000 Genomes Project 30x 0.00016; 1000 Genomes Project 0.00020; ExAC 0.00021.
gnomAD v4.1: 173 of 1,614,092 alleles (0.011%); highest among the groups gnomAD compares: South Asian, 0.085%; 1 homozygote.

Submissions (3):

Labcorp Genetics (formerly Invitae), Labcorp
Classification: Uncertain significance for Severe combined immunodeficiency due to LCK deficiency. Last evaluated: 2025-12-01. Review status: criteria provided, single submitter. Criteria: Invitae Variant Classification Sherloc (09022015). Collection method: clinical testing. Allele origin: germline.
Comment: This sequence change replaces threonine, which is neutral and polar, with methionine, which is neutral and non-polar, at codon 431 of the LCK protein (p.Thr431Met). This variant is present in population databases (rs1801124, gnomAD 0.08%). This variant has not been reported in the literature in individuals affected with LCK-related conditions. ClinVar contains an entry for this variant (Variation ID: 1018077). An algorithm developed to predict the effect of missense changes on protein structure and function (PolyPhen-2) suggests that this variant is likely to be disruptive. In summary, the available evidence is currently insufficient to determine the role of this variant in disease. Therefore, it has been classified as a Variant of Uncertain Significance.

Blueprint Genetics
Classification: Uncertain significance. Last evaluated: 2024-04-16. Review status: criteria provided, single submitter. Criteria: ACMG Guidelines, 2015. Collection method: clinical testing. Allele origin: germline.

Center for Genomics, Ann and Robert H. Lurie Children's Hospital of Chicago
Classification: Uncertain significance for Severe combined immunodeficiency due to LCK deficiency. Last evaluated: 2022-02-08. Review status: criteria provided, single submitter. Criteria: ACMG Guidelines, 2015. Collection method: clinical testing. Allele origin: germline.
Comment: This variant has not been reported in the literature but is present in 0.01% (9/68018) of European alleles in the Genome Aggregation Database. This variant is present in ClinVar (Variation ID:1018077). Evolutionary conservation for this variant is unclear; computational predictive tools suggest that this variant may not impact the protein. In summary, data on this variant is insufficient for disease classification. Therefore, the clinical significance of this variant is uncertain.